The following is an entry in ClinVar:

ClinVar aggregate classification (germline): Uncertain significance (1 of 4 stars; one submission).

Allele frequency attached by ClinVar (database versions not stated): gnomAD 0.00001; gnomAD exomes 0.00003; ExAC 0.00004.
gnomAD v4.1: 43 of 1,613,818 alleles (0.0027%); highest among the groups gnomAD compares: South Asian, 0.025%; no homozygotes.

Submission:

GeneDx
Classification: Uncertain significance. Last evaluated: 2022-06-07. Review status: criteria provided, single submitter. Criteria: GeneDx Variant Classification Process June 2021. Collection method: clinical testing. Allele origin: germline. Affected: yes.
Comment: In silico analysis supports that this missense variant does not alter protein structure/function; Has not been previously published as pathogenic or benign to our knowledge

NM_014704.4(CEP104):c.1403G>A (p.Gly468Glu)

Gene: CEP104 (centrosomal protein 104; minus strand). Cytogenetic location: 1p36.32.
Variant type: single nucleotide variant.
Coding change: c.1403G>A on transcript NM_014704.4 (MANE Select); coding-DNA position 1403, G replaced by A.
Protein change: p.Gly468Glu; replaces glycine 468 with glutamic acid.
Molecular consequence: missense variant.
Genome position (GRCh38, 1-based): chr1:3,835,007, C>T on the plus strand (G>A on the coding strand, the complement: CEP104 is on the minus strand). VCF-style: chr1-3835007-C-T. GRCh37 (hg19) VCF-style: chr1-3751571-C-T.
Other names: short protein forms G468E.
Identifiers: ClinVar variation 1803331 (VCV001803331.1), dbSNP rs775958624, ClinGen allele CA551607.